The following is an entry in ClinVar:

ClinVar aggregate classification (germline): Likely benign. Review status: criteria provided, multiple submitters, no conflicts (2 of 4 stars). 2 submissions from 2 submitters: Likely benign (2). Last evaluated 2025-04-22.

Conditions:
Cardiac arrhythmia. Also called: Arrhythmia; Cardiac rhythm disease. Identifiers: MedGen C0003811, MONDO:0007263, HP:0011675.

Allele frequency attached by ClinVar (database versions not stated): gnomAD exomes below 0.00001; TOPMed 0.00001; ExAC 0.00001.
gnomAD v4.1: 3 of 1,614,152 alleles (0.00019%); highest among the groups gnomAD compares: Non-Finnish European, 0.000085%; no homozygotes.

Submissions (2):

Women's Health and Genetics/Laboratory Corporation of America, LabCorp
Classification: Likely benign. Last evaluated: 2025-04-22. Review status: criteria provided, single submitter. Criteria: LabCorp Variant Classification Summary - May 2015. Collection method: clinical testing. Allele origin: germline.
Comment: Variant summary: RANGRF c.85C>A alters a conserved nucleotide resulting in a synonymous change. Consensus agreement among computation tools predict no significant impact on normal splicing. However, these predictions have yet to be confirmed by functional studies. The variant allele was found at a frequency of 4e-06 in 250942 control chromosomes. The available data on variant occurrences in the general population are insufficient to allow any conclusion about variant significance. To our knowledge, no occurrence of c.85C>A in individuals affected with Arrhythmia and no experimental evidence demonstrating its impact on protein function have been reported. ClinVar contains an entry for this variant (Variation ID: 1539434). Based on the evidence outlined above, the variant was classified as likely benign.

Labcorp Genetics (formerly Invitae), Labcorp
Classification: Likely benign for Cardiac arrhythmia. Last evaluated: 2021-11-05. Review status: criteria provided, single submitter. Criteria: Invitae Variant Classification Sherloc (09022015). Collection method: clinical testing. Allele origin: germline.

NM_016492.5(RANGRF):c.85C>A (p.Arg29=)

Genes: RANGRF (RAN guanine nucleotide release factor; plus strand), SLC25A35 (solute carrier family 25 member 35; minus strand), LOC130060241 (ATAC-STARR-seq lymphoblastoid active region 11693; plus strand). Cytogenetic location: 17p13.1.
Variant type: single nucleotide variant.
Coding change: c.85C>A on transcript NM_016492.5 (MANE Select); coding-DNA position 85, C replaced by A.
Protein change: p.Arg29=; no amino-acid change (arginine 29 retained).
Molecular consequence: synonymous variant. On other transcripts: 3 prime UTR variant (2), non-coding transcript variant (2), intron variant (1).
Genome position (GRCh38, 1-based): chr17:8,288,963, C>A. VCF-style: chr17-8288963-C-A. GRCh37 (hg19) VCF-style: chr17-8192281-C-A.
Other names: c.*653G>T (NM_201520.3); c.*43-531G>T (NM_001320871.2); c.85C>A, p.Arg29= (NM_001177801.2, NM_001177802.2, NM_001330127.2); c.*520G>T (NM_001320872.2).
Identifiers: ClinVar variation 1539434 (VCV001539434.10), dbSNP rs755018574, ClinGen allele CA8374314.